The following is an entry in ClinVar:

ClinVar aggregate classification (germline): Uncertain significance. Review status: criteria provided, multiple submitters, no conflicts (2 of 4 stars). 4 submissions from 4 submitters: Uncertain significance (4). Last evaluated 2025-04-14.

Conditions:
Autosomal recessive limb-girdle muscular dystrophy type 2O. Also called: Limb-Girdle Muscular Dystrophy Type 3C; MUSCULAR DYSTROPHY-DYSTROGLYCANOPATHY (LIMB-GIRDLE), TYPE C, 3; MUSCULAR DYSTROPHY-DYSTROGLYCANOPATHY, LIMB-GIRDLE, POMGNT1-RELATED. Identifiers: Orphanet 206564, MedGen C3150417, MONDO:0013161, OMIM 613157.
Muscular dystrophy-dystroglycanopathy (congenital with impaired intellectual development), type B, 3. Also called: Muscular dystrophy-dystroglycanopathy (congenital with intellectual disability), type B3; MUSCULAR DYSTROPHY, CONGENITAL, POMGNT1-RELATED. Identifiers: MedGen C3150412, MONDO:0013155, OMIM 613151.

Submissions (4):

Women's Health and Genetics/Laboratory Corporation of America, LabCorp
Classification: Uncertain significance. Last evaluated: 2025-04-14. Review status: criteria provided, single submitter. Criteria: LabCorp Variant Classification Summary - May 2015. Collection method: clinical testing. Allele origin: germline.
Comment: Variant summary: POMGNT1 c.1755_1757delTGA (p.Asp586del) results in an in-frame deletion that is predicted to remove one amino acid from the encoded protein. The variant allele was found at a frequency of 8e-06 in 250204 control chromosomes. The available data on variant occurrences in the general population are insufficient to allow any conclusion about variant significance. To our knowledge, no occurrence of c.1755_1757delTGA in individuals affected with Muscular dystrophy-dystroglycanopathy (congenital with brain and eye anomalies), type A3 and no experimental evidence demonstrating its impact on protein function have been reported. ClinVar contains an entry for this variant (Variation ID: 501102). Based on the evidence outlined above, the variant was classified as uncertain significance.

Labcorp Genetics (formerly Invitae), Labcorp
Classification: Uncertain significance for Autosomal recessive limb-girdle muscular dystrophy type 2O; Muscular dystrophy-dystroglycanopathy (congenital with impaired intellectual development), type B, 3. Last evaluated: 2022-06-27. Review status: criteria provided, single submitter. Criteria: Invitae Variant Classification Sherloc (09022015). Collection method: clinical testing. Allele origin: germline.
Comment: This variant, c.1755_1757del, results in the deletion of 1 amino acid(s) of the POMGNT1 protein (p.Asp586del), but otherwise preserves the integrity of the reading frame. This variant is present in population databases (rs777715386, gnomAD 0.002%). This variant has not been reported in the literature in individuals affected with POMGNT1-related conditions. ClinVar contains an entry for this variant (Variation ID: 501102). Experimental studies and prediction algorithms are not available or were not evaluated, and the functional significance of this variant is currently unknown. In summary, the available evidence is currently insufficient to determine the role of this variant in disease. Therefore, it has been classified as a Variant of Uncertain Significance.

Revvity Omics, Revvity
Classification: Uncertain significance. Last evaluated: 2019-08-05. Review status: criteria provided, single submitter. Criteria: ACMG Guidelines, 2015. Collection method: clinical testing. Allele origin: germline.

Eurofins Ntd Llc (ga)
Classification: Uncertain significance. Last evaluated: 2017-03-31. Review status: criteria provided, single submitter. Criteria: EGL Classification Definitions 2015. Collection method: clinical testing. Allele origin: germline. Observed: 1 variant allele, 1 heterozygote.

NM_017739.4(POMGNT1):c.1752TGA[1] (p.Asp586del)

Genes: POMGNT1 (protein O-linked mannose N-acetylglucosaminyltransferase 1 (beta 1,2-); minus strand), TSPAN1 (tetraspanin 1; plus strand). Cytogenetic location: 1p34.1.
Variant type: Microsatellite.
Coding change: c.1752TGA[1] on transcript NM_017739.4 (MANE Select); one copy of the 3-base unit TGA starting at c.1752; the reference has two copies in a row; one copy, 3 bases deleted.
Protein change: p.Asp586del; deletes aspartic acid 586.
Molecular consequence: inframe deletion. On other transcripts: inframe indel (1).
Genome position (GRCh38, 1-based): chr1:46,189,882-46,189,884, TCA deleted on the plus strand (TGA on the coding strand, the reverse complement: POMGNT1 is on the minus strand); deleting any 3 consecutive bases within chr1:46,189,882-46,189,889 gives the same sequence; the position shown is the placement nearest the transcript's 3' end. VCF-style (leftmost placement, unchanged base first): chr1-46189881-GTCA-G. GRCh37 (hg19) VCF-style: chr1-46655553-GTCA-G.
Other names: c.1755_1757delTGA (NM_017739.3, NM_017739.4); c.1752TGA[1], p.Asp586del (NM_001243766.2, NM_001410783.1); c.1684_1686GAT[1], p.Asp564del (NM_001290129.3); c.1323TGA[1], p.Asp443del (NM_001290130.2); short protein forms D586del, D564del, D443del.
Identifiers: ClinVar variation 501102 (VCV000501102.11), dbSNP rs777715386, ClinGen allele CA833252.
Genomic context (GRCh38, chr1:46,189,881, plus strand): 5'-GGGTTCTCCAGGGTGGGCATGGTATTGGAGCACCTTGGCAAGCTGGGTCCAGGTGGTGAA[GTCA>G]TCATCTTTCTCCATTCGAATAAAGGCCACGTAGGTGTGGCCCTCTGTGTCTGGCAGGAAA-3'